The following is an entry in ClinVar:

NM_002439.5(MSH3):c.3027C>G (p.Thr1009=)

Gene: MSH3 (mutS homolog 3; plus strand). Cytogenetic location: 5q14.1.
Variant type: single nucleotide variant.
Coding change: c.3027C>G on transcript NM_002439.5 (MANE Select); coding-DNA position 3027, C replaced by G.
Protein change: p.Thr1009=; no amino-acid change (threonine 1009 retained).
Molecular consequence: synonymous variant.
Genome position (GRCh38, 1-based): chr5:80,864,839, C>G. VCF-style: chr5-80864839-C-G. GRCh37 (hg19) VCF-style: chr5-80160658-C-G.
Identifiers: ClinVar variation 748398 (VCV000748398.20), dbSNP rs145319344, ClinGen allele CA3328434.

ClinVar aggregate classification (germline): Benign/Likely benign. Review status: criteria provided, multiple submitters, no conflicts (2 of 4 stars). 6 submissions from 6 submitters: Benign (1); Likely benign (4). 1 of the submissions does not count toward it. Last evaluated 2026-01-13.

Conditions:
Hereditary cancer-predisposing syndrome. Also called: Tumor predisposition; Hereditary neoplastic syndrome; Neoplastic Syndromes, Hereditary; Hereditary Cancer Syndrome. Identifiers: Orphanet 140162, MedGen C0027672, MeSH D009386, MONDO:0015356.
MSH3-related disorder. Also called: MSH3-related condition.

Allele frequency attached by ClinVar (database versions not stated): gnomAD exomes 0.00006; ExAC 0.00011; gnomAD 0.00019; TOPMed 0.00036; ESP Exome Variant Server 0.00046.
gnomAD v4.1: 82 of 1,612,332 alleles (0.0051%); highest among the groups gnomAD compares: African/African-American, 0.095%; no homozygotes.

Submissions (6):

Labcorp Genetics (formerly Invitae), Labcorp
Classification: Likely benign. Last evaluated: 2026-01-13. Review status: criteria provided, single submitter. Criteria: Invitae Variant Classification Sherloc (09022015). Collection method: clinical testing. Allele origin: germline.

Blueprint Genetics
Classification: Likely benign. Last evaluated: 2024-07-09. Review status: criteria provided, single submitter. Criteria: ACMG Guidelines, 2015. Collection method: clinical testing. Allele origin: germline.

Quest Diagnostics Nichols Institute San Juan Capistrano
Classification: Benign. Last evaluated: 2022-04-06. Review status: criteria provided, single submitter. Criteria: Quest Diagnostics criteria. Collection method: clinical testing. Allele origin: unknown.

Sema4
Classification: Likely benign for Hereditary cancer-predisposing syndrome. Last evaluated: 2021-12-23. Review status: criteria provided, single submitter. Criteria: Sema4 Curation Guidelines. Collection method: curation. Allele origin: germline.

Ambry Genetics
Classification: Likely benign for Hereditary cancer-predisposing syndrome. Last evaluated: 2018-12-06. Review status: criteria provided, single submitter. Criteria: Ambry Variant Classification Scheme 2023. Collection method: clinical testing. Allele origin: germline.

PreventionGenetics, part of Exact Sciences
Classification: Likely benign for MSH3-related condition. Last evaluated: 2023-01-19. Review status: no assertion criteria provided. Collection method: clinical testing. Allele origin: germline. Not counted in ClinVar's aggregate classification.
Comment: This variant is classified as likely benign based on ACMG/AMP sequence variant interpretation guidelines (Richards et al. 2015 PMID: 25741868, with internal and published modifications).